The following is an entry in ClinVar:

NM_024675.4(PALB2):c.1706A>C (p.Lys569Thr)

Gene: PALB2 (partner and localizer of BRCA2; minus strand). Cytogenetic location: 16p12.2.
Variant type: single nucleotide variant.
Coding change: c.1706A>C on transcript NM_024675.4 (MANE Select); coding-DNA position 1706, A replaced by C.
Protein change: p.Lys569Thr; replaces lysine 569 with threonine.
Molecular consequence: missense variant.
Genome position (GRCh38, 1-based): chr16:23,630,448, T>G on the plus strand (A>C on the coding strand, the complement: PALB2 is on the minus strand). VCF-style: chr16-23630448-T-G. GRCh37 (hg19) VCF-style: chr16-23641769-T-G.
Other names: short protein forms K569T.
Identifiers: ClinVar variation 835141 (VCV000835141.15), dbSNP rs1966867586, ClinGen allele CA395128427.
Genomic context (GRCh38, chr16:23,630,448, plus strand): 5'-GTGAAAGCATCATCATCCAAGGATAAATAAGCACTATTACTCCAAGAAAGGGAATCCTCT[T>G]TTTGATGACGACTTTTCTTCCCTAAAGAAGAAAAATAAGTCACAAAATAGTAACAAAACC-3'
Protein context (NP_078951.2, residues 559-579): QVKGKKSRHQ[Lys569Thr]EDSLSWSNSA

ClinVar aggregate classification (germline): Uncertain significance. Review status: criteria provided, multiple submitters, no conflicts (2 of 4 stars). 3 submissions from 3 submitters: Uncertain significance (3). Last evaluated 2023-08-02.

Conditions:
Familial cancer of breast. Also called: hereditary breast carcinoma; BREAST CANCER, FAMILIAL; Hereditary breast cancer. Identifiers: Orphanet 227535, MedGen C0346153, MONDO:0016419, OMIM 114480. Disease mechanism: loss of function.
Hereditary cancer-predisposing syndrome. Also called: Hereditary neoplastic syndrome; Neoplastic Syndromes, Hereditary; Tumor predisposition; Hereditary Cancer Syndrome. Identifiers: Orphanet 140162, MedGen C0027672, MeSH D009386, MONDO:0015356.

Submissions (3):

Ambry Genetics
Classification: Uncertain significance for Hereditary cancer-predisposing syndrome. Last evaluated: 2023-08-02. Review status: criteria provided, single submitter. Criteria: Ambry Variant Classification Scheme 2023. Collection method: clinical testing. Allele origin: germline.
Comment: The p.K569T variant (also known as c.1706A>C), located in coding exon 5 of the PALB2 gene, results from an A to C substitution at nucleotide position 1706. The lysine at codon 569 is replaced by threonine, an amino acid with similar properties. This amino acid position is conserved. In addition, this alteration is predicted to be tolerated by in silico analysis. Since supporting evidence is limited at this time, the clinical significance of this alteration remains unclear.

Labcorp Genetics (formerly Invitae), Labcorp
Classification: Uncertain significance for Familial cancer of breast. Last evaluated: 2021-05-04. Review status: criteria provided, single submitter. Criteria: Invitae Variant Classification Sherloc (09022015). Collection method: clinical testing. Allele origin: germline.
Comment: In summary, the available evidence is currently insufficient to determine the role of this variant in disease. Therefore, it has been classified as a Variant of Uncertain Significance. This sequence change replaces lysine with threonine at codon 569 of the PALB2 protein (p.Lys569Thr). The lysine residue is moderately conserved and there is a moderate physicochemical difference between lysine and threonine. This variant is not present in population databases (ExAC no frequency). This variant has not been reported in the literature in individuals with PALB2-related conditions. Algorithms developed to predict the effect of missense changes on protein structure and function are either unavailable or do not agree on the potential impact of this missense change (SIFT: "Tolerated"; PolyPhen-2: "Possibly Damaging"; Align-GVGD: "Class C0").

GeneDx
Classification: Uncertain significance. Last evaluated: 2019-06-10. Review status: criteria provided, single submitter. Criteria: GeneDx Variant Classification Process June 2021. Collection method: clinical testing. Allele origin: germline. Affected: yes.
Comment: Not observed in large population cohorts (Lek et al., 2016); Has not been previously published as pathogenic or benign to our knowledge